The following is an entry in ClinVar:

NM_001288705.3(CSF1R):c.1865C>T (p.Ala622Val)

Gene: CSF1R (colony stimulating factor 1 receptor; minus strand). Cytogenetic location: 5q32.
Variant type: single nucleotide variant.
Coding change: c.1865C>T on transcript NM_001288705.3 (MANE Select); coding-DNA position 1865, C replaced by T.
Protein change: p.Ala622Val; replaces alanine 622 with valine.
Molecular consequence: missense variant. On other transcripts: non-coding transcript variant (2).
Genome position (GRCh38, 1-based): chr5:150,060,966, G>A on the plus strand (C>T on the coding strand, the complement: CSF1R is on the minus strand). VCF-style: chr5-150060966-G-A. GRCh37 (hg19) VCF-style: chr5-149440529-G-A.
Other names: c.1865C>T, p.Ala622Val (NM_001349736.2, NM_001375320.1, NM_005211.4); c.1421C>T, p.Ala474Val (NM_001375321.1); short protein forms A474V, A622V.
Identifiers: ClinVar variation 1365140 (VCV001365140.6), dbSNP rs754190138, ClinGen allele CA3506645.
Genomic context (GRCh38, chr5:150,060,966, plus strand): 5'-TGGCCCAGGTGGCTCATGATCTTCAGCTCGGACATGAGGGCCTCCTTCTCATCAGCATGG[G>A]CCGTGGCTGGGAGGAAGAACCACAGTCCCAAAGACAGGGAGAGGGCAGGACAGAGAGCAC-3'
Protein context (NP_001275634.1, residues 612-632): KVAVKMLKST[Ala622Val]HADEKEALMS

ClinVar aggregate classification (germline): Uncertain significance (1 of 4 stars; one submission).

Allele frequency attached by ClinVar (database versions not stated): TOPMed below 0.00001; gnomAD 0.00001; gnomAD exomes 0.00001; ExAC 0.00003.
gnomAD v4.1: 3 of 1,596,854 alleles (0.00019%); highest among the groups gnomAD compares: Non-Finnish European, 0.00026%; no homozygotes.

Submission:

Labcorp Genetics (formerly Invitae), Labcorp
Classification: Uncertain significance. Last evaluated: 2021-10-19. Review status: criteria provided, single submitter. Criteria: Invitae Variant Classification Sherloc (09022015). Collection method: clinical testing. Allele origin: germline.
Comment: This sequence change replaces alanine with valine at codon 622 of the CSF1R protein (p.Ala622Val). The alanine residue is highly conserved and there is a small physicochemical difference between alanine and valine. This variant is present in population databases (rs754190138, ExAC 0.007%). This variant has not been reported in the literature in individuals affected with CSF1R-related conditions. Advanced modeling of protein sequence and biophysical properties (such as structural, functional, and spatial information, amino acid conservation, physicochemical variation, residue mobility, and thermodynamic stability) performed at Invitae indicates that this missense variant is expected to disrupt CSF1R protein function. In summary, the available evidence is currently insufficient to determine the role of this variant in disease. Therefore, it has been classified as a Variant of Uncertain Significance.